The following is an entry in ClinVar:

NM_000142.5(FGFR3):c.713G>T (p.Arg238Leu)

Gene: FGFR3 (fibroblast growth factor receptor 3; plus strand). Cytogenetic location: 4p16.3.
Variant type: single nucleotide variant.
Coding change: c.713G>T on transcript NM_000142.5 (MANE Select); coding-DNA position 713, G replaced by T.
Protein change: p.Arg238Leu; replaces arginine 238 with leucine.
Molecular consequence: missense variant. On other transcripts: non-coding transcript variant (1).
Genome position (GRCh38, 1-based): chr4:1,801,717, G>T. VCF-style: chr4-1801717-G-T. GRCh37 (hg19) VCF-style: chr4-1803444-G-T.
Other names: c.713G>T, p.Arg238Leu (NM_001163213.2, NM_001354809.2, NM_001354810.2 and 1 more transcripts); short protein forms R238L.
Identifiers: ClinVar variation 4802673 (VCV004802673.1).

ClinVar aggregate classification (germline): Uncertain significance (1 of 4 stars; one submission).

gnomAD v4.1: 3 of 1,609,002 alleles (0.00019%); highest among the groups gnomAD compares: Non-Finnish European, 0.00025%; no homozygotes.

Submission:

Labcorp Genetics (formerly Invitae), Labcorp
Classification: Uncertain significance. Last evaluated: 2025-11-17. Review status: criteria provided, single submitter. Criteria: Invitae Variant Classification Sherloc (09022015). Collection method: clinical testing. Allele origin: germline.
Comment: This sequence change replaces arginine, which is basic and polar, with leucine, which is neutral and non-polar, at codon 238 of the FGFR3 protein (p.Arg238Leu). The frequency data for this variant in the population databases is considered unreliable, as metrics indicate poor data quality at this position in the gnomAD database. This variant has not been reported in the literature in individuals affected with FGFR3-related conditions. Invitae Evidence Modeling of protein sequence and biophysical properties (such as structural, functional, and spatial information, amino acid conservation, physicochemical variation, residue mobility, and thermodynamic stability) indicates that this missense variant is not expected to disrupt FGFR3 protein function with a negative predictive value of 80%. In summary, the available evidence is currently insufficient to determine the role of this variant in disease. Therefore, it has been classified as a Variant of Uncertain Significance.